The following is an entry in ClinVar:

ClinVar aggregate classification (germline): Uncertain significance. Review status: criteria provided, multiple submitters, no conflicts (2 of 4 stars). 2 submissions from 2 submitters: Uncertain significance (2). Last evaluated 2026-01-06.

Conditions:
Familial hypobetalipoproteinemia 1. Also called: APOB-Related Familial Hypobetalipoproteinemia; Hypobetalipoproteinemia, normotriglyceridemic; Acanthocytosis with hypobetalipoproteinemia. Identifiers: MedGen C4551990, MONDO:0014252, OMIM 615558.
Hypercholesterolemia, autosomal dominant, type B (FHCL2). Also called: Familial Hypercholesterolemia Type B; APOLIPOPROTEIN B-100, FAMILIAL DEFECTIVE; APOLIPOPROTEIN B-100, FAMILIAL LIGAND-DEFECTIVE; HYPERCHOLESTEROLEMIA, FAMILIAL, DUE TO LIGAND-DEFECTIVE APOLIPOPROTEIN B; Hyperlipoproteinemia Type IIb; Familial hypercholesterolemia 2. Identifiers: MedGen C1704417, MONDO:0007751, OMIM 144010.

gnomAD v4.1: 6 of 1,613,938 alleles (0.00037%); highest among the groups gnomAD compares: Non-Finnish European, 0.00051%; no homozygotes.

Submissions (2):

Labcorp Genetics (formerly Invitae), Labcorp
Classification: Uncertain significance for Familial hypobetalipoproteinemia 1; Hypercholesterolemia, autosomal dominant, type B. Last evaluated: 2026-01-06. Review status: criteria provided, single submitter. Criteria: Invitae Variant Classification Sherloc (09022015). Collection method: clinical testing. Allele origin: germline.
Comment: This sequence change replaces glutamine, which is neutral and polar, with proline, which is neutral and non-polar, at codon 3645 of the APOB protein (p.Gln3645Pro). This variant is not present in population databases (gnomAD no frequency). This variant has not been reported in the literature in individuals affected with APOB-related conditions. Invitae Evidence Modeling of protein sequence and biophysical properties (such as structural, functional, and spatial information, amino acid conservation, physicochemical variation, residue mobility, and thermodynamic stability) indicates that this missense variant is not expected to disrupt APOB protein function with a negative predictive value of 95%. In summary, the available evidence is currently insufficient to determine the role of this variant in disease. Therefore, it has been classified as a Variant of Uncertain Significance.

GeneDx
Classification: Uncertain significance. Last evaluated: 2025-06-03. Review status: criteria provided, single submitter. Criteria: GeneDx Variant Classification Process June 2021. Collection method: clinical testing. Allele origin: germline. Affected: yes.
Comment: Not observed at significant frequency in large population cohorts (gnomAD); In silico analysis supports that this missense variant has a deleterious effect on protein structure/function; Has not been previously published as pathogenic or benign to our knowledge

NM_000384.3(APOB):c.10934A>C (p.Gln3645Pro)

Gene: APOB (apolipoprotein B; minus strand). Cytogenetic location: 2p24.1.
Variant type: single nucleotide variant.
Coding change: c.10934A>C on transcript NM_000384.3 (MANE Select); coding-DNA position 10934, A replaced by C.
Protein change: p.Gln3645Pro; replaces glutamine 3645 with proline.
Molecular consequence: missense variant.
Genome position (GRCh38, 1-based): chr2:21,005,934, T>G on the plus strand (A>C on the coding strand, the complement: APOB is on the minus strand). VCF-style: chr2-21005934-T-G. GRCh37 (hg19) VCF-style: chr2-21228806-T-G.
Other names: short protein forms Q3645P.
Identifiers: ClinVar variation 4536336 (VCV004536336.2).
Genomic context (GRCh38, chr2:21,005,934, plus strand): 5'-AAGGATCCTGCAATGTCAAGGTGTGCCTTTTCTTGGTCATTGGAAAGCTCGACCTGGCTC[T>G]GGAAAGACCCAGAATGAATCCGGACTTCATTTTTCCATCTGATCTTCTGGTTCTTAGTGT-3'
Protein context (NP_000375.3, residues 3635-3655): NEVRIHSGSF[Gln3645Pro]SQVELSNDQE